The following is an entry in ClinVar:

NM_005869.4(CWC27):c.413T>C (p.Val138Ala)

Gene: CWC27 (CWC27 spliceosome associated cyclophilin; plus strand). Cytogenetic location: 5q12.3.
Variant type: single nucleotide variant.
Coding change: c.413T>C on transcript NM_005869.4 (MANE Select); coding-DNA position 413, T replaced by C.
Protein change: p.Val138Ala; replaces valine 138 with alanine.
Molecular consequence: missense variant.
Genome position (GRCh38, 1-based): chr5:64,785,497, T>C. VCF-style: chr5-64785497-T-C. GRCh37 (hg19) VCF-style: chr5-64081324-T-C.
Other names: c.413T>C, p.Val138Ala (NM_001297644.1, NM_001297645.2, NM_001318000.2 and 1 more transcripts); short protein forms V138A.
Identifiers: ClinVar variation 1974708 (VCV001974708.2), dbSNP rs1743849689, ClinGen allele CA359845104.

ClinVar aggregate classification (germline): Uncertain significance (1 of 4 stars; one submission).

Allele frequency attached by ClinVar (database versions not stated): TOPMed 0.00001.

Submission:

Labcorp Genetics (formerly Invitae), Labcorp
Classification: Uncertain significance. Last evaluated: 2022-08-13. Review status: criteria provided, single submitter. Criteria: Invitae Variant Classification Sherloc (09022015). Collection method: clinical testing. Allele origin: germline.
Comment: This sequence change replaces valine, which is neutral and non-polar, with alanine, which is neutral and non-polar, at codon 138 of the CWC27 protein (p.Val138Ala). This variant is not present in population databases (gnomAD no frequency). This variant has not been reported in the literature in individuals affected with CWC27-related conditions. Algorithms developed to predict the effect of missense changes on protein structure and function (SIFT, PolyPhen-2, Align-GVGD) all suggest that this variant is likely to be disruptive. In summary, the available evidence is currently insufficient to determine the role of this variant in disease. Therefore, it has been classified as a Variant of Uncertain Significance.